The following is an entry in ClinVar:

NM_130807.3(MOB3A):c.460A>C (p.Lys154Gln)

Gene: MOB3A (MOB kinase activator 3A; minus strand). Cytogenetic location: 19p13.3.
Variant type: single nucleotide variant.
Coding change: c.460A>C on transcript NM_130807.3 (MANE Select); coding-DNA position 460, A replaced by C.
Protein change: p.Lys154Gln; replaces lysine 154 with glutamine.
Molecular consequence: missense variant.
Genome position (GRCh38, 1-based): chr19:2,076,975, T>G on the plus strand (A>C on the coding strand, the complement: MOB3A is on the minus strand). VCF-style: chr19-2076975-T-G. GRCh37 (hg19) VCF-style: chr19-2076974-T-G.
Other names: short protein forms K154Q.
Identifiers: ClinVar variation 2648959 (VCV002648959.24), dbSNP rs141042584, ClinGen allele CA9057419.

ClinVar aggregate classification (germline): Likely benign (1 of 4 stars; one submission).

Allele frequency attached by ClinVar (database versions not stated): 1000 Genomes Project 0.00140; 1000 Genomes Project 30x 0.00187; gnomAD 0.00401; ExAC 0.00421; ESP Exome Variant Server 0.00646.
gnomAD v4.1: 11,265 of 1,613,820 alleles (0.7%); highest among the groups gnomAD compares: Non-Finnish European, 0.86%; 62 homozygotes.

Submission:

CeGaT Center for Human Genetics Tuebingen
Classification: Likely benign. Last evaluated: 2023-02-01. Review status: criteria provided, single submitter. Criteria: CeGaT Center For Human Genetics Tuebingen Variant Classification Criteria Version 2. Collection method: clinical testing. Allele origin: germline. Affected: yes. Observed: 1 variant allele.
Comment: MOB3A: BS2